The following is an entry in ClinVar:

ClinVar aggregate classification (germline): Uncertain significance. Review status: criteria provided, multiple submitters, no conflicts (2 of 4 stars). 2 submissions from 2 submitters: Uncertain significance (2). Last evaluated 2024-08-13.

Submissions (2):

Mayo Clinic Laboratories, Mayo Clinic
Classification: Uncertain significance. Last evaluated: 2024-08-13. Review status: criteria provided, single submitter. Criteria: ACMG Guidelines, 2015. Collection method: clinical testing. Allele origin: germline. Observed: 1 variant allele.

Labcorp Genetics (formerly Invitae), Labcorp
Classification: Uncertain significance. Last evaluated: 2022-09-08. Review status: criteria provided, single submitter. Criteria: Invitae Variant Classification Sherloc (09022015). Collection method: clinical testing. Allele origin: germline.
Comment: In summary, the available evidence is currently insufficient to determine the role of this variant in disease. Therefore, it has been classified as a Variant of Uncertain Significance. Advanced modeling of protein sequence and biophysical properties (such as structural, functional, and spatial information, amino acid conservation, physicochemical variation, residue mobility, and thermodynamic stability) performed at Invitae indicates that this missense variant is expected to disrupt SLC4A1 protein function. This variant has not been reported in the literature in individuals affected with SLC4A1-related conditions. This variant is not present in population databases (gnomAD no frequency). This sequence change replaces alanine, which is neutral and non-polar, with proline, which is neutral and non-polar, at codon 671 of the SLC4A1 protein (p.Ala671Pro).

NM_000342.4(SLC4A1):c.2011G>C (p.Ala671Pro)

Gene: SLC4A1 (solute carrier family 4 member 1 (Diego blood group); minus strand). Cytogenetic location: 17q21.31.
Variant type: single nucleotide variant.
Coding change: c.2011G>C on transcript NM_000342.4 (MANE Select); coding-DNA position 2011, G replaced by C.
Protein change: p.Ala671Pro; replaces alanine 671 with proline.
Molecular consequence: missense variant.
Genome position (GRCh38, 1-based): chr17:44,254,542, C>G on the plus strand (G>C on the coding strand, the complement: SLC4A1 is on the minus strand). VCF-style: chr17-44254542-C-G. GRCh37 (hg19) VCF-style: chr17-42331910-C-G.
Other names: p.Ala671Pro; short protein forms A671P.
Identifiers: ClinVar variation 1716245 (VCV001716245.6), dbSNP rs2509962496, ClinGen allele CA399782686.
Genomic context (GRCh38, chr17:44,254,542, plus strand): 5'-ACCCTGTCTCTCACGTGGTGATCTGAGACTCCAGGAATATGAGGATGAAGACCAGCAGAG[C>G]AGGCAGGGCGGAGGCAAACATCATCCAGATGGGAAACTCGGAACGCAAGCCCAGTGGGTG-3'
Protein context (NP_000333.1, residues 661-681): IWMMFASALP[Ala671Pro]LLVFILIFLE